The following is an entry in ClinVar:

ClinVar aggregate classification (germline): Uncertain significance (1 of 4 stars; one submission).

Conditions:
3-methylcrotonyl-CoA carboxylase 2 deficiency. Also called: 3 alpha methylcrotonyl-CoA carboxylase 2 deficiency; 3 alpha methylcrotonylglycinuria 2; MCC 2 deficiency; Methylcrotonylglycinuria type 2; METHYLCROTONYLGLYCINURIA, TYPE II. Identifiers: Orphanet 6, MedGen C1859499, MONDO:0008862, OMIM 210210.

Allele frequency attached by ClinVar (database versions not stated): gnomAD exomes below 0.00001; ExAC 0.00001.
gnomAD v4.1: 1 of 1,614,030 alleles (0.000062%); highest among the groups gnomAD compares: East Asian, 0.0022%; no homozygotes.

Submission:

Labcorp Genetics (formerly Invitae), Labcorp
Classification: Uncertain significance for 3-methylcrotonyl-CoA carboxylase 2 deficiency. Last evaluated: 2022-03-01. Review status: criteria provided, single submitter. Criteria: Invitae Variant Classification Sherloc (09022015). Collection method: clinical testing. Allele origin: germline.
Comment: This sequence change replaces leucine, which is neutral and non-polar, with valine, which is neutral and non-polar, at codon 265 of the MCCC2 protein (p.Leu265Val). This variant is present in population databases (rs767223395, gnomAD 0.0009%). This variant has not been reported in the literature in individuals affected with MCCC2-related conditions. Advanced modeling of protein sequence and biophysical properties (such as structural, functional, and spatial information, amino acid conservation, physicochemical variation, residue mobility, and thermodynamic stability) performed at Invitae indicates that this missense variant is not expected to disrupt MCCC2 protein function. In summary, the available evidence is currently insufficient to determine the role of this variant in disease. Therefore, it has been classified as a Variant of Uncertain Significance.

NM_022132.5(MCCC2):c.793C>G (p.Leu265Val)

Gene: MCCC2 (methylcrotonyl-CoA carboxylase subunit 2; plus strand). Cytogenetic location: 5q13.2.
Variant type: single nucleotide variant.
Coding change: c.793C>G on transcript NM_022132.5 (MANE Select); coding-DNA position 793, C replaced by G.
Protein change: p.Leu265Val; replaces leucine 265 with valine.
Molecular consequence: missense variant.
Genome position (GRCh38, 1-based): chr5:71,632,175, C>G. VCF-style: chr5-71632175-C-G. GRCh37 (hg19) VCF-style: chr5-70928002-C-G.
Other names: c.679C>G, p.Leu227Val (NM_001363147.1); short protein forms L265V, L227V.
Identifiers: ClinVar variation 2154084 (VCV002154084.4), dbSNP rs767223395, ClinGen allele CA3297885.